The following is an entry in ClinVar:

ClinVar aggregate classification (germline): Likely benign (0 of 4 stars; one submission).

Conditions:
SCAPER-related disorder. Also called: SCAPER-related condition.

Submission:

PreventionGenetics, part of Exact Sciences
Classification: Likely benign for SCAPER-related condition. Last evaluated: 2024-09-19. Review status: no assertion criteria provided. Collection method: clinical testing. Allele origin: germline.
Comment: This variant is classified as likely benign based on ACMG/AMP sequence variant interpretation guidelines (Richards et al. 2015 PMID: 25741868, with internal and published modifications).

NM_020843.4(SCAPER):c.510A>C (p.Ala170=)

Gene: SCAPER (S-phase cyclin A associated protein in the ER; minus strand). Cytogenetic location: 15q24.3.
Variant type: single nucleotide variant.
Coding change: c.510A>C on transcript NM_020843.4 (MANE Select); coding-DNA position 510, A replaced by C.
Protein change: p.Ala170=; no amino-acid change (alanine 170 retained).
Molecular consequence: synonymous variant. On other transcripts: 5 prime UTR variant (1), non-coding transcript variant (1).
Genome position (GRCh38, 1-based): chr15:76,800,349, T>G on the plus strand (A>C on the coding strand, the complement: SCAPER is on the minus strand). VCF-style: chr15-76800349-T-G. GRCh37 (hg19) VCF-style: chr15-77092690-T-G.
Other names: c.-388A>C (NM_001145923.2); c.510A>C, p.Ala170= (NM_001353009.2); c.108A>C, p.Ala36= (NM_001353010.2, NM_001353011.2, NM_001353012.2).
Identifiers: ClinVar variation 3351836 (VCV003351836.1).